The following is an entry in ClinVar:

NM_022552.5(DNMT3A):c.640-1404G>A

Gene: DNMT3A (DNA methyltransferase 3 alpha; minus strand). Cytogenetic location: 2p23.3.
Variant type: single nucleotide variant.
Coding change: c.640-1404G>A on transcript NM_022552.5 (MANE Select); 1404 bases into the intron before coding-DNA position 640, G replaced by A.
Molecular consequence: intron variant. On other transcripts: splice donor variant (1).
Genome position (GRCh38, 1-based): chr2:25,249,656, C>T on the plus strand (G>A on the coding strand, the complement: DNMT3A is on the minus strand). VCF-style: chr2-25249656-C-T. GRCh37 (hg19) VCF-style: chr2-25472525-C-T.
Other names: c.640-1404G>A (NM_175629.2); c.72+1G>A (NM_153759.3); c.184-1404G>A (NM_001320893.1); c.-30-1404G>A (NM_001375819.1).
Identifiers: ClinVar variation 3346672 (VCV003346672.1).
Genomic context (GRCh38, chr2:25,249,656, plus strand): 5'-CCAACAAATTAATAAGCCAAACCCCAGTTATTCTCCCATTGCACAGCCTCCATCCTTTCA[C>T]CGTATCACACTCGTCTTTCAGGCTACGATCCACGCGCCCATTCCTTCTCACAACCCGCTC-3'

ClinVar aggregate classification (germline): Uncertain significance (0 of 4 stars; one submission).

Conditions:
DNMT3A-related disorder. Also called: DNMT3A-related condition; DNMT3A-related disorders.

gnomAD v4.1: 9 of 1,614,122 alleles (0.00056%); highest among the groups gnomAD compares: Non-Finnish European, 0.00076%; no homozygotes.

Submission:

PreventionGenetics, part of Exact Sciences
Classification: Uncertain significance for DNMT3A-related condition. Last evaluated: 2024-04-25. Review status: no assertion criteria provided. Collection method: clinical testing. Allele origin: germline.
Comment: The DNMT3A c.72+1G>A variant is predicted to disrupt the GT donor site and interfere with normal splicing. In the primary transcript of the DNMT3A gene, this is a non-coding variant (NM_175629:c.640-1404G>A). Although splicing variants in DNMT3A may be pathogenic, to our knowledge, all reported pathogenic variants are located downstream of this variant and in the primary transcript (Human Gene Mutation Database). At this time, the clinical significance of this variant is uncertain due to the absence of conclusive functional and genetic evidence.